The following is an entry in ClinVar:

NM_001375567.1(FOCAD):c.758G>A (p.Ser253Asn)

Gene: FOCAD (focadhesin; plus strand). Cytogenetic location: 9p21.3.
Variant type: single nucleotide variant.
Coding change: c.758G>A on transcript NM_001375567.1 (MANE Select); coding-DNA position 758, G replaced by A.
Protein change: p.Ser253Asn; replaces serine 253 with asparagine.
Molecular consequence: missense variant.
Genome position (GRCh38, 1-based): chr9:20,770,090, G>A. VCF-style: chr9-20770090-G-A. GRCh37 (hg19) VCF-style: chr9-20770089-G-A.
Other names: c.758G>A, p.Ser253Asn (NM_001375568.1, NM_017794.5); c.653G>A, p.Ser218Asn (NM_001375570.1); short protein forms S253N, S218N.
Identifiers: ClinVar variation 3709037 (VCV003709037.2).

ClinVar aggregate classification (germline): Uncertain significance (1 of 4 stars; one submission).

gnomAD v4.1: 83 of 1,613,968 alleles (0.0051%); highest among the groups gnomAD compares: Non-Finnish European, 0.0067%; no homozygotes.

Submission:

Labcorp Genetics (formerly Invitae), Labcorp
Classification: Uncertain significance. Last evaluated: 2025-07-17. Review status: criteria provided, single submitter. Criteria: Invitae Variant Classification Sherloc (09022015). Collection method: clinical testing. Allele origin: germline.
Comment: This sequence change replaces serine, which is neutral and polar, with asparagine, which is neutral and polar, at codon 253 of the FOCAD protein (p.Ser253Asn). This variant is present in population databases (rs199678370, gnomAD 0.01%). This variant has not been reported in the literature in individuals affected with FOCAD-related conditions. ClinVar contains an entry for this variant (Variation ID: 3709037). Experimental studies and prediction algorithms are not available or were not evaluated, and the functional significance of this variant is currently unknown. In summary, the available evidence is currently insufficient to determine the role of this variant in disease. Therefore, it has been classified as a Variant of Uncertain Significance.